The following is an entry in ClinVar:

NM_001199107.2(TBC1D24):c.1302+1G>T

Gene: TBC1D24 (TBC1 domain family member 24; plus strand). Cytogenetic location: 16p13.3.
Variant type: single nucleotide variant.
Coding change: c.1302+1G>T on transcript NM_001199107.2 (MANE Select); the canonical splice donor site of the intron after coding-DNA position 1302, G replaced by T.
Molecular consequence: splice donor variant.
Genome position (GRCh38, 1-based): chr16:2,499,931, G>T. VCF-style: chr16-2499931-G-T. GRCh37 (hg19) VCF-style: chr16-2549932-G-T.
Other names: c.1284+1G>T (NM_020705.3).
Identifiers: ClinVar variation 2630945 (VCV002630945.5), dbSNP rs767616057, ClinGen allele CA7844235.

ClinVar aggregate classification (germline): Likely pathogenic. Review status: criteria provided, multiple submitters, no conflicts (2 of 4 stars). 2 submissions from 2 submitters: Likely pathogenic (2). Last evaluated 2023-08-30.

Conditions:
TBC1D24-related disorder. Also called: TBC1D24-related condition; TBC1D24-related disorders. Identifiers: MedGen CN381194.
Autosomal dominant nonsyndromic hearing loss 65. Also called: Deafness, autosomal dominant 65; TBC1D24-Related Autosomal Dominant Nonsyndromic Hearing Loss (DFNA). Identifiers: Orphanet 90635, MedGen C3892048, MONDO:0014470, OMIM 616044.
Developmental and epileptic encephalopathy, 1 (DEE1). Also called: INFANTILE SPASM SYNDROME, X-LINKED 1; X-linked infantile spasms; West's syndrome; Tonic spasms with clustering, arrest of psychomotor development and hypsarrhythmia on EEG; X-Linked Infantile Spasm Syndrome; OHTAHARA SYNDROME, X-LINKED. Identifiers: MedGen C3463992, MONDO:0010632, OMIM 308350. Disease mechanism: loss of function.

Allele frequency attached by ClinVar (database versions not stated): ExAC 0.00002.

Submissions (3):

PreventionGenetics, part of Exact Sciences
Classification: Likely pathogenic for TBC1D24-related condition. Last evaluated: 2023-08-30. Review status: criteria provided, single submitter. Criteria: ACMG Guidelines, 2015. Collection method: clinical testing. Allele origin: germline.
Comment: The TBC1D24 c.1302+1G>T variant is predicted to disrupt the GT donor site and interfere with normal splicing. To our knowledge, this variant has not been reported in the literature. This variant is reported in 0.0065% of alleles in individuals of African descent in gnomAD. Variants that disrupt the consensus splice donor site in TBC1D24 are expected to be pathogenic. This variant is interpreted as likely pathogenic.

Labcorp Genetics (formerly Invitae), Labcorp
Classification: Likely pathogenic for Developmental and epileptic encephalopathy, 1; Autosomal dominant nonsyndromic hearing loss 65. Last evaluated: 2023-02-16. Review status: criteria provided, single submitter. Criteria: Invitae Variant Classification Sherloc (09022015). Collection method: clinical testing. Allele origin: germline.
Comment: In summary, the currently available evidence indicates that the variant is pathogenic, but additional data are needed to prove that conclusively. Therefore, this variant has been classified as Likely Pathogenic. This sequence change affects a donor splice site in intron 6 of the TBC1D24 gene. It is expected to disrupt RNA splicing. Variants that disrupt the donor or acceptor splice site typically lead to a loss of protein function (PMID: 16199547), and loss-of-function variants in TBC1D24 are known to be pathogenic (PMID: 23526554, 24291220). This variant is present in population databases (rs767616057, gnomAD 0.007%). This variant has not been reported in the literature in individuals affected with TBC1D24-related conditions. Algorithms developed to predict the effect of sequence changes on RNA splicing suggest that this variant may disrupt the consensus splice site.

Dr. Peter K. Rogan Lab, Western University
No classification provided (evidence only). Condition: Lung cancer. Review status: no classification provided. Collection method: in vitro. Allele origin: not applicable. Functional consequence: skipped exon. Not counted in ClinVar's aggregate classification.

Literature cited by the submitters: PubMed 16199547 (cited by Labcorp Genetics (formerly Invitae), Labcorp); PubMed 23526554 (cited by Labcorp Genetics (formerly Invitae), Labcorp); PubMed 24291220 (cited by Labcorp Genetics (formerly Invitae), Labcorp).